The following is an entry in ClinVar:

NM_004655.4(AXIN2):c.1492C>G (p.Pro498Ala)

Gene: AXIN2 (axin 2; minus strand). Cytogenetic location: 17q24.1.
Variant type: single nucleotide variant.
Coding change: c.1492C>G on transcript NM_004655.4 (MANE Select); coding-DNA position 1492, C replaced by G.
Protein change: p.Pro498Ala; replaces proline 498 with alanine.
Molecular consequence: missense variant.
Genome position (GRCh38, 1-based): chr17:65,537,544, G>C on the plus strand (C>G on the coding strand, the complement: AXIN2 is on the minus strand). VCF-style: chr17-65537544-G-C. GRCh37 (hg19) VCF-style: chr17-63533662-G-C.
Other names: c.1492C>G, p.Pro498Ala (NM_001363813.1); short protein forms P498A.
Identifiers: ClinVar variation 1312319 (VCV001312319.7), dbSNP rs1279915902, ClinGen allele CA400677400.
Genomic context (GRCh38, chr17:65,537,544, plus strand): 5'-AGTGGTGGTGGACATGCTTCGTCGTCTGCTTGGTCACAAAGCCTTTGCCCCCGAGGAGGG[G>C]GCAGGCGCCCGGCGAGGCGGCCGCGGGAGGCAGCTTGCCACCGGGCGGGAGCAGGGAGTG-3'
Protein context (NP_004646.3, residues 488-508): PPAAASPGAC[Pro498Ala]LLGGKGFVTK

ClinVar aggregate classification (germline): Uncertain significance. Review status: criteria provided, multiple submitters, no conflicts (2 of 4 stars). 3 submissions from 3 submitters: Uncertain significance (3). Last evaluated 2025-08-31.

Conditions:
Hereditary cancer-predisposing syndrome. Also called: Tumor predisposition; Neoplastic Syndromes, Hereditary; Hereditary Cancer Syndrome; Hereditary neoplastic syndrome. Identifiers: Orphanet 140162, MedGen C0027672, MeSH D009386, MONDO:0015356.
Oligodontia-cancer predisposition syndrome. Also called: TOOTH AGENESIS-COLORECTAL CANCER SYNDROME. Identifiers: Orphanet 300576, MedGen C1837750, MONDO:0012075, OMIM 608615. Disease mechanism: loss of function.

Submissions (3):

Labcorp Genetics (formerly Invitae), Labcorp
Classification: Uncertain significance for Oligodontia-cancer predisposition syndrome. Last evaluated: 2025-08-31. Review status: criteria provided, single submitter. Criteria: Invitae Variant Classification Sherloc (09022015). Collection method: clinical testing. Allele origin: germline.
Comment: This sequence change replaces proline, which is neutral and non-polar, with alanine, which is neutral and non-polar, at codon 498 of the AXIN2 protein (p.Pro498Ala). This variant is not present in population databases (gnomAD no frequency). This variant has not been reported in the literature in individuals affected with AXIN2-related conditions. ClinVar contains an entry for this variant (Variation ID: 1312319). An algorithm developed to predict the effect of missense changes on protein structure and function outputs the following: PolyPhen-2: "Benign". The alanine amino acid residue is found in multiple mammalian species, which suggests that this missense change does not adversely affect protein function. In summary, the available evidence is currently insufficient to determine the role of this variant in disease. Therefore, it has been classified as a Variant of Uncertain Significance.

Ambry Genetics
Classification: Uncertain significance for Hereditary cancer-predisposing syndrome. Last evaluated: 2024-01-29. Review status: criteria provided, single submitter. Criteria: Ambry Variant Classification Scheme 2023. Collection method: clinical testing. Allele origin: germline.
Comment: The p.P498A variant (also known as c.1492C>G), located in coding exon 5 of the AXIN2 gene, results from a C to G substitution at nucleotide position 1492. The proline at codon 498 is replaced by alanine, an amino acid with highly similar properties. This amino acid position is conserved. In addition, this alteration is predicted to be tolerated by in silico analysis. Based on the available evidence, the clinical significance of this alteration remains unclear.

GeneDx
Classification: Uncertain significance. Last evaluated: 2019-09-11. Review status: criteria provided, single submitter. Criteria: GeneDx Variant Classification Process June 2021. Collection method: clinical testing. Allele origin: germline. Affected: yes.
Comment: Not observed in large population cohorts (Lek 2016); In silico analysis, which includes protein predictors and evolutionary conservation, supports that this variant does not alter protein structure/function; Has not been previously published as pathogenic or benign to our knowledge